The following is an entry in ClinVar:

ClinVar aggregate classification (germline): Uncertain significance. Review status: criteria provided, multiple submitters, no conflicts (2 of 4 stars). 2 submissions from 2 submitters: Uncertain significance (2). Last evaluated 2023-05-26.

Conditions:
TRIM32-related disorder. Also called: TRIM32-related condition.
Bardet-Biedl syndrome (BBS). Identifiers: Orphanet 110, MedGen C0752166, MONDO:0015229.

Allele frequency attached by ClinVar (database versions not stated): gnomAD exomes below 0.00001; TOPMed below 0.00001; gnomAD 0.00001.
gnomAD v4.1: 3 of 1,614,120 alleles (0.00019%); highest among the groups gnomAD compares: Admixed American, 0.0033%; no homozygotes.

Submissions (2):

PreventionGenetics, part of Exact Sciences
Classification: Uncertain significance for TRIM32-related condition. Last evaluated: 2023-05-26. Review status: criteria provided, single submitter. Criteria: ACMG Guidelines, 2015. Collection method: clinical testing. Allele origin: germline.
Comment: The TRIM32 c.1142G>A variant is predicted to result in the amino acid substitution p.Ser381Asn. To our knowledge, this variant has not been reported in the literature or in a large population database, indicating this variant is rare. At this time, the clinical significance of this variant is uncertain due to the absence of conclusive functional and genetic evidence.

Labcorp Genetics (formerly Invitae), Labcorp
Classification: Uncertain significance for Bardet-Biedl syndrome. Last evaluated: 2021-09-01. Review status: criteria provided, single submitter. Criteria: Invitae Variant Classification Sherloc (09022015). Collection method: clinical testing. Allele origin: germline.
Comment: This sequence change replaces serine with asparagine at codon 381 of the TRIM32 protein (p.Ser381Asn). The serine residue is moderately conserved and there is a small physicochemical difference between serine and asparagine. This variant is not present in population databases (ExAC no frequency). This variant has not been reported in the literature in individuals affected with TRIM32-related conditions. Algorithms developed to predict the effect of missense changes on protein structure and function output the following: SIFT: "Tolerated"; PolyPhen-2: "Benign"; Align-GVGD: "Class C0". The asparagine amino acid residue is found in multiple mammalian species, which suggests that this missense change does not adversely affect protein function. In summary, the available evidence is currently insufficient to determine the role of this variant in disease. Therefore, it has been classified as a Variant of Uncertain Significance.

NM_012210.4(TRIM32):c.1142G>A (p.Ser381Asn)

Genes: ASTN2 (astrotactin 2; minus strand), TRIM32 (tripartite motif containing 32; plus strand). Cytogenetic location: 9q33.1.
Variant type: single nucleotide variant.
Coding change: c.1142G>A on transcript NM_012210.4 (MANE Select); coding-DNA position 1142, G replaced by A.
Protein change: p.Ser381Asn; replaces serine 381 with asparagine.
Molecular consequence: missense variant. On other transcripts: intron variant (3).
Genome position (GRCh38, 1-based): chr9:116,698,884, G>A. VCF-style: chr9-116698884-G-A. GRCh37 (hg19) VCF-style: chr9-119461163-G-A.
Other names: c.1142G>A, p.Ser381Asn (NM_001099679.2, NM_001379048.1, NM_001379049.1 and 1 more transcripts); c.2653+26887C>T (NM_014010.5); c.2794+26887C>T (NM_001365069.1); c.2806+26887C>T (NM_001365068.1); short protein forms S381N.
Identifiers: ClinVar variation 1053501 (VCV001053501.6), dbSNP rs1432191841, ClinGen allele CA374651043.